The following is an entry in ClinVar:

NM_004370.6(COL12A1):c.5824G>C (p.Val1942Leu)

Gene: COL12A1 (collagen type XII alpha 1 chain; minus strand). Cytogenetic location: 6q13.
Variant type: single nucleotide variant.
Coding change: c.5824G>C on transcript NM_004370.6 (MANE Select); coding-DNA position 5824, G replaced by C.
Protein change: p.Val1942Leu; replaces valine 1942 with leucine.
Molecular consequence: missense variant.
Genome position (GRCh38, 1-based): chr6:75,132,053, C>G on the plus strand (G>C on the coding strand, the complement: COL12A1 is on the minus strand). VCF-style: chr6-75132053-C-G. GRCh37 (hg19) VCF-style: chr6-75841769-C-G.
Other names: c.5824G>C (NM_004370.5); c.5824G>C, p.Val1942Leu (NM_001424113.1); c.5803G>C, p.Val1935Leu (NM_001424114.1); c.5551G>C, p.Val1851Leu (NM_001424115.1); c.2332G>C, p.Val778Leu (NM_001424116.1, NM_080645.3); short protein forms V1851L, V1935L, V1942L, V778L.
Identifiers: ClinVar variation 3763169 (VCV003763169.3).

ClinVar aggregate classification (germline): Uncertain significance. Review status: criteria provided, multiple submitters, no conflicts (2 of 4 stars). 2 submissions from 2 submitters: Uncertain significance (2). Last evaluated 2025-11-19.

Conditions:
Inborn genetic diseases. Identifiers: MedGen C0950123, MeSH D030342.
Ullrich congenital muscular dystrophy 2 (UCMD2). Identifiers: Orphanet 75840, MedGen C4225314, MONDO:0014654, OMIM 616470.
Bethlem myopathy 2 (BTHLM2). Identifiers: Orphanet 536516, Orphanet 610, MedGen C4225313, MONDO:0034022, OMIM 616471.

Submissions (2):

Ambry Genetics
Classification: Uncertain significance for Inborn genetic diseases. Last evaluated: 2025-11-19. Review status: criteria provided, single submitter. Criteria: Ambry Variant Classification Scheme 2023. Collection method: clinical testing. Allele origin: germline.

Labcorp Genetics (formerly Invitae), Labcorp
Classification: Uncertain significance for Bethlem myopathy 2; Ullrich congenital muscular dystrophy 2. Last evaluated: 2024-06-14. Review status: criteria provided, single submitter. Criteria: Invitae Variant Classification Sherloc (09022015). Collection method: clinical testing. Allele origin: germline.
Comment: This sequence change replaces valine, which is neutral and non-polar, with leucine, which is neutral and non-polar, at codon 1942 of the COL12A1 protein (p.Val1942Leu). This variant is not present in population databases (gnomAD no frequency). This variant has not been reported in the literature in individuals affected with COL12A1-related conditions. Advanced modeling of protein sequence and biophysical properties (such as structural, functional, and spatial information, amino acid conservation, physicochemical variation, residue mobility, and thermodynamic stability) performed at Invitae indicates that this missense variant is expected to disrupt COL12A1 protein function with a positive predictive value of 80%. In summary, the available evidence is currently insufficient to determine the role of this variant in disease. Therefore, it has been classified as a Variant of Uncertain Significance.